The following is an entry in ClinVar:

ClinVar aggregate classification (germline): Pathogenic (1 of 4 stars; one submission).

Conditions:
Multiple congenital exostosis (EXT). Also called: Hereditary multiple exostoses; Hereditary multiple exostosis; Hereditary multiple osteochondromas; MULTIPLE CARTILAGINOUS EXOSTOSES; Multiple exostoses; Multiple osteochondromas. Identifiers: Orphanet 321, MedGen C0015306, MONDO:0005508, HP:0002762.

Allele frequency attached by ClinVar (database versions not stated): gnomAD exomes below 0.00001.
gnomAD v4.1: 1 of 1,612,506 alleles (0.000062%); highest among the groups gnomAD compares: Non-Finnish European, 0.000085%; no homozygotes.

Submission:

Labcorp Genetics (formerly Invitae), Labcorp
Classification: Pathogenic for Multiple congenital exostosis. Last evaluated: 2022-05-19. Review status: criteria provided, single submitter. Criteria: Invitae Variant Classification Sherloc (09022015). Collection method: clinical testing. Allele origin: germline.
Comment: Disruption of this splice site has been observed in individual(s) with multiple osteochondromas (PMID: 16283885). This sequence change affects an acceptor splice site in intron 6 of the EXT1 gene. It is expected to disrupt RNA splicing. Variants that disrupt the donor or acceptor splice site typically lead to a loss of protein function (PMID: 16199547), and loss-of-function variants in EXT1 are known to be pathogenic (PMID: 10679937, 11391482, 19810120). This variant is not present in population databases (gnomAD no frequency). ClinVar contains an entry for this variant (Variation ID: 657320). Algorithms developed to predict the effect of sequence changes on RNA splicing suggest that this variant may disrupt the consensus splice site. For these reasons, this variant has been classified as Pathogenic.

Literature cited by the submitters: PubMed 16283885; PubMed 16199547; PubMed 10679937; PubMed 11391482; PubMed 19810120.

NM_000127.3(EXT1):c.1537-2A>G

Gene: EXT1 (exostosin glycosyltransferase 1; minus strand). Cytogenetic location: 8q24.11.
Variant type: single nucleotide variant.
Coding change: c.1537-2A>G on transcript NM_000127.3 (MANE Select); the canonical splice acceptor site of the intron before coding-DNA position 1537, A replaced by G.
Molecular consequence: splice acceptor variant.
Genome position (GRCh38, 1-based): chr8:117,818,532, T>C on the plus strand (A>G on the coding strand, the complement: EXT1 is on the minus strand). VCF-style: chr8-117818532-T-C. GRCh37 (hg19) VCF-style: chr8-118830771-T-C.
Identifiers: ClinVar variation 657320 (VCV000657320.9), dbSNP rs1554578710, ClinGen allele CA371883598.